The following is an entry in ClinVar:

NM_000178.4(GSS):c.298A>G (p.Thr100Ala)

Gene: GSS (glutathione synthetase; minus strand). Cytogenetic location: 20q11.22.
Variant type: single nucleotide variant.
Coding change: c.298A>G on transcript NM_000178.4 (MANE Select); coding-DNA position 298, A replaced by G.
Protein change: p.Thr100Ala; replaces threonine 100 with alanine.
Molecular consequence: missense variant.
Genome position (GRCh38, 1-based): chr20:34,942,984, T>C on the plus strand (A>G on the coding strand, the complement: GSS is on the minus strand). VCF-style: chr20-34942984-T-C. GRCh37 (hg19) VCF-style: chr20-33530787-T-C.
Other names: c.298A>G, p.Thr100Ala (NM_001322494.1, NM_001322495.1); short protein forms T100A.
Identifiers: ClinVar variation 1920856 (VCV001920856.2), dbSNP rs1600386613, ClinGen allele CA408704934.
Genomic context (GRCh38, chr20:34,942,984, plus strand): 5'-TGGTTACCTGGGCAATGCCCTCTTTTAGGACTTGCTTGTGGATGTCAAAGAGACGAGCGG[T>C]AAAGTCATCCTGTTTGATGGTGCTGGAGGAAGAAACAGAGAACATTTTGCAGGCTTAATT-3'
Protein context (NP_000169.1, residues 90-110): LSSTIKQDDF[Thr100Ala]ARLFDIHKQV

ClinVar aggregate classification (germline): Uncertain significance (1 of 4 stars; one submission).

Conditions:
Inherited glutathione synthetase deficiency. Identifiers: Orphanet 32, MedGen C5979912, MONDO:0017909.

Allele frequency attached by ClinVar (database versions not stated): gnomAD exomes below 0.00001.

Submission:

Labcorp Genetics (formerly Invitae), Labcorp
Classification: Uncertain significance for Glutathione synthetase deficiency with 5-oxoprolinuria. Last evaluated: 2022-09-27. Review status: criteria provided, single submitter. Criteria: Invitae Variant Classification Sherloc (09022015). Collection method: clinical testing. Allele origin: germline.
Comment: This sequence change replaces threonine, which is neutral and polar, with alanine, which is neutral and non-polar, at codon 100 of the GSS protein (p.Thr100Ala). This variant is not present in population databases (gnomAD no frequency). This variant has not been reported in the literature in individuals affected with GSS-related conditions. Advanced modeling of protein sequence and biophysical properties (such as structural, functional, and spatial information, amino acid conservation, physicochemical variation, residue mobility, and thermodynamic stability) performed at Invitae indicates that this missense variant is not expected to disrupt GSS protein function. In summary, the available evidence is currently insufficient to determine the role of this variant in disease. Therefore, it has been classified as a Variant of Uncertain Significance.